The following is an entry in ClinVar:

NM_015922.3(NSDHL):c.1094G>A (p.Ser365Asn)

Gene: NSDHL (NAD(P) dependent 3-beta-hydroxysteroid dehydrogenase NSDHL; plus strand). Cytogenetic location: Xq28.
Variant type: single nucleotide variant.
Coding change: c.1094G>A on transcript NM_015922.3 (MANE Select); coding-DNA position 1094, G replaced by A.
Protein change: p.Ser365Asn; replaces serine 365 with asparagine.
Molecular consequence: missense variant.
Genome position (GRCh38, 1-based): chrX:152,869,088, G>A. VCF-style: chrX-152869088-G-A. GRCh37 (hg19) VCF-style: chrX-152037632-G-A.
Other names: c.1094G>A, p.Ser365Asn (NM_001129765.2, NM_001441099.1); short protein forms S365N.
Identifiers: ClinVar variation 4077365 (VCV004077365.1).

ClinVar aggregate classification (germline): Uncertain significance (1 of 4 stars; one submission).

gnomAD v4.1: 1 of 1,211,826 alleles (0.000083%); highest among the groups gnomAD compares: Non-Finnish European, 0.00011%; no homozygotes.

Submission:

GeneDx
Classification: Uncertain significance. Last evaluated: 2025-02-28. Review status: criteria provided, single submitter. Criteria: GeneDx Variant Classification Process June 2021. Collection method: clinical testing. Allele origin: germline. Affected: yes.
Comment: Not observed at significant frequency in large population cohorts (gnomAD); In silico analysis indicates that this missense variant does not alter protein structure/function; Has not been previously published as pathogenic or benign to our knowledge